The following is an entry in ClinVar:

NM_004268.5(MED17):c.327G>A (p.Met109Ile)

Gene: MED17 (mediator complex subunit 17; plus strand). Cytogenetic location: 11q21.
Variant type: single nucleotide variant.
Coding change: c.327G>A on transcript NM_004268.5 (MANE Select); coding-DNA position 327, G replaced by A.
Protein change: p.Met109Ile; replaces methionine 109 with isoleucine.
Molecular consequence: missense variant.
Genome position (GRCh38, 1-based): chr11:93,788,077, G>A. VCF-style: chr11-93788077-G-A. GRCh37 (hg19) VCF-style: chr11-93521243-G-A.
Other names: short protein forms M109I.
Identifiers: ClinVar variation 975443 (VCV000975443.5), dbSNP rs756882876, ClinGen allele CA6232303.

ClinVar aggregate classification (germline): Uncertain significance. Review status: criteria provided, single submitter (1 of 4 stars). 2 submissions from 2 submitters: Uncertain significance (1). 1 of the submissions does not count toward it. Last evaluated 2024-12-09.

Conditions:
Intellectual disability. Also called: intellectual disabilities; Intellectual developmental disorder; Intellectual functioning disability. Identifiers: MedGen C3714756, MeSH D008607, MONDO:0001071, HP:0001249.

Allele frequency attached by ClinVar (database versions not stated): ExAC 0.00002; gnomAD 0.00005 and 0.00006; TOPMed 0.00006; gnomAD exomes 0.00002.

Submissions (2):

Labcorp Genetics (formerly Invitae), Labcorp
Classification: Uncertain significance. Last evaluated: 2024-12-09. Review status: criteria provided, single submitter. Criteria: Invitae Variant Classification Sherloc (09022015). Collection method: clinical testing. Allele origin: germline.
Comment: This sequence change replaces methionine, which is neutral and non-polar, with isoleucine, which is neutral and non-polar, at codon 109 of the MED17 protein (p.Met109Ile). This variant is present in population databases (rs756882876, gnomAD 0.01%). This variant has not been reported in the literature in individuals affected with MED17-related conditions. ClinVar contains an entry for this variant (Variation ID: 975443). Invitae Evidence Modeling of protein sequence and biophysical properties (such as structural, functional, and spatial information, amino acid conservation, physicochemical variation, residue mobility, and thermodynamic stability) indicates that this missense variant is not expected to disrupt MED17 protein function with a negative predictive value of 80%. In summary, the available evidence is currently insufficient to determine the role of this variant in disease. Therefore, it has been classified as a Variant of Uncertain Significance.

Centre de Biologie Pathologie Génétique, Centre Hospitalier Universitaire de Lille
Classification: Likely benign for Intellectual disability. Last evaluated: 2019-01-01. Review status: no assertion criteria provided. Collection method: clinical testing. Allele origin: inherited. Affected: yes. Not counted in ClinVar's aggregate classification.